The following is an entry in ClinVar:

ClinVar aggregate classification (germline): Likely benign. Review status: criteria provided, multiple submitters, no conflicts (2 of 4 stars). 2 submissions from 2 submitters: Likely benign (2). Last evaluated 2025-10-02.

Conditions:
Mucopolysaccharidosis, MPS-III-A (MPS3A). Also called: Mucopolysaccharidosis type IIIA (Sanfilippo A); MUCOPOLYSACCHARIDOSIS, TYPE IIIA, ATTENUATED; HEPARAN SULFATE SULFATASE DEFICIENCY; SANFILIPPO SYNDROME A; SULFAMIDASE DEFICIENCY; MPS III A. Identifiers: Orphanet 581, Orphanet 79269, MedGen C0086647, MONDO:0009655, OMIM 252900.

Allele frequency attached by ClinVar (database versions not stated): ESP Exome Variant Server 0.00008; gnomAD 0.00002; ExAC 0.00011; TOPMed 0.00004.
gnomAD v4.1: 13 of 1,539,194 alleles (0.00084%); highest among the groups gnomAD compares: African/African-American, 0.016%; no homozygotes.

Submissions (2):

Labcorp Genetics (formerly Invitae), Labcorp
Classification: Likely benign for Mucopolysaccharidosis, MPS-III-A. Last evaluated: 2025-10-02. Review status: criteria provided, single submitter. Criteria: Invitae Variant Classification Sherloc (09022015). Collection method: clinical testing. Allele origin: germline.

Mayo Clinic Laboratories, Mayo Clinic
Classification: Likely benign. Last evaluated: 2025-06-09. Review status: criteria provided, single submitter. Criteria: ACMG Guidelines, 2015. Collection method: clinical testing. Allele origin: germline. Observed: 1 variant allele.
Comment: BP4, BP7, PM2_supporting

NM_000199.5(SGSH):c.249+19G>A

Gene: SGSH (N-sulfoglucosamine sulfohydrolase; minus strand). Cytogenetic location: 17q25.3.
Variant type: single nucleotide variant.
Coding change: c.249+19G>A on transcript NM_000199.5 (MANE Select); 19 bases into the intron after coding-DNA position 249, G replaced by A.
Molecular consequence: intron variant.
Genome position (GRCh38, 1-based): chr17:80,217,013, C>T on the plus strand (G>A on the coding strand, the complement: SGSH is on the minus strand). VCF-style: chr17-80217013-C-T. GRCh37 (hg19) VCF-style: chr17-78190812-C-T.
Other names: p.?; c.249+19G>A (NM_001352921.3, NM_001352922.2).
Identifiers: ClinVar variation 1609548 (VCV001609548.9), dbSNP rs372274963, ClinGen allele CA8818130.